The following is an entry in ClinVar:

ClinVar aggregate classification (germline): Pathogenic/Likely pathogenic. Review status: criteria provided, multiple submitters, no conflicts (2 of 4 stars). 4 submissions from 3 submitters: Pathogenic (1); Likely pathogenic (2). 1 of the submissions does not count toward it. Last evaluated 2023-11-04.

Conditions:
Retinitis pigmentosa 39 (RP39). Identifiers: Orphanet 791, MedGen C3151138, MONDO:0013436, OMIM 613809.
Usher syndrome type 2A. Also called: RETINAL DISEASE IN USHER SYNDROME TYPE IIA, MODIFIER OF; USHER SYNDROME, TYPE IIA. Identifiers: Orphanet 231178, Orphanet 886, MedGen C1848634, MONDO:0010169, OMIM 276901.

Submissions (4):

Genome-Nilou Lab
Classification: Likely pathogenic for Retinitis pigmentosa 39. Last evaluated: 2023-11-04. Review status: criteria provided, single submitter. Criteria: ACMG Guidelines, 2015. Collection method: clinical testing. Allele origin: germline. Affected: no.

Genome-Nilou Lab
Classification: Likely pathogenic for Usher syndrome type 2A. Last evaluated: 2023-11-04. Review status: criteria provided, single submitter. Criteria: ACMG Guidelines, 2015. Collection method: clinical testing. Allele origin: germline. Affected: no.

Labcorp Genetics (formerly Invitae), Labcorp
Classification: Pathogenic. Last evaluated: 2022-01-06. Review status: criteria provided, single submitter. Criteria: Invitae Variant Classification Sherloc (09022015). Collection method: clinical testing. Allele origin: germline.
Comment: For these reasons, this variant has been classified as Pathogenic. ClinVar contains an entry for this variant (Variation ID: 558154). This variant is also known as 4818_4819insA, p.Lys1606Lysfs4. This premature translational stop signal has been observed in individual(s) with USH2A-related conditions (PMID: 31054281). This variant is not present in population databases (gnomAD no frequency). This sequence change creates a premature translational stop signal (p.Trp1607Metfs*3) in the USH2A gene. It is expected to result in an absent or disrupted protein product. Loss-of-function variants in USH2A are known to be pathogenic (PMID: 10729113, 10909849, 20507924, 25649381).

Counsyl
Classification: Likely pathogenic for Usher syndrome type 2A; Retinitis pigmentosa 39. Last evaluated: 2018-05-02. Review status: no assertion criteria provided. Collection method: clinical testing. Allele origin: unknown. Not counted in ClinVar's aggregate classification.

Literature cited by the submitters: PubMed 31054281 (cited by Labcorp Genetics (formerly Invitae), Labcorp); PubMed 10729113 (cited by Labcorp Genetics (formerly Invitae), Labcorp); PubMed 10909849 (cited by Labcorp Genetics (formerly Invitae), Labcorp); PubMed 20507924 (cited by Labcorp Genetics (formerly Invitae), Labcorp); PubMed 25649381 (cited by Labcorp Genetics (formerly Invitae), Labcorp).

NM_206933.4(USH2A):c.4818dup (p.Trp1607fs)

Gene: USH2A (usherin; minus strand). Cytogenetic location: 1q41.
Variant type: Duplication.
Coding change: c.4818dup on transcript NM_206933.4 (MANE Select); coding-DNA position 4818, one base duplicated (A; older notation c.4818dupA).
Protein change: p.Trp1607fs; shifts the reading frame from tryptophan 1607.
Molecular consequence: frameshift variant.
Genome position (GRCh38, 1-based): chr1:216,089,080, T duplicated on the plus strand (A on the coding strand, the reverse complement: USH2A is on the minus strand); the first of 4 consecutive T bases (chr1:216,089,080-216,089,083); duplicating any one gives the same sequence. VCF-style (leftmost placement, unchanged base first): chr1-216089079-A-AT. GRCh37 (hg19) VCF-style: chr1-216262421-A-AT.
Other names: c.4818dupA (NM_206933.2); short protein forms W1607fs.
Identifiers: ClinVar variation 558154 (VCV000558154.7), dbSNP rs1553300558, ClinGen allele CA658822205.